The following is an entry in ClinVar:

ClinVar aggregate classification (germline): Uncertain significance (1 of 4 stars; one submission).

Submission:

Labcorp Genetics (formerly Invitae), Labcorp
Classification: Uncertain significance. Last evaluated: 2024-09-19. Review status: criteria provided, single submitter. Criteria: Invitae Variant Classification Sherloc (09022015). Collection method: clinical testing. Allele origin: germline.
Comment: This sequence change replaces proline, which is neutral and non-polar, with leucine, which is neutral and non-polar, at codon 888 of the DNA2 protein (p.Pro888Leu). This variant is not present in population databases (gnomAD no frequency). This variant has not been reported in the literature in individuals affected with DNA2-related conditions. Invitae Evidence Modeling of protein sequence and biophysical properties (such as structural, functional, and spatial information, amino acid conservation, physicochemical variation, residue mobility, and thermodynamic stability) indicates that this missense variant is expected to disrupt DNA2 protein function with a positive predictive value of 80%. In summary, the available evidence is currently insufficient to determine the role of this variant in disease. Therefore, it has been classified as a Variant of Uncertain Significance.

NM_001080449.3(DNA2):c.2663C>T (p.Pro888Leu)

Gene: DNA2 (DNA replication helicase/nuclease 2; minus strand). Cytogenetic location: 10q21.3.
Variant type: single nucleotide variant.
Coding change: c.2663C>T on transcript NM_001080449.3 (MANE Select); coding-DNA position 2663, C replaced by T.
Protein change: p.Pro888Leu; replaces proline 888 with leucine.
Molecular consequence: missense variant. On other transcripts: non-coding transcript variant (1).
Genome position (GRCh38, 1-based): chr10:68,422,259, G>A on the plus strand (C>T on the coding strand, the complement: DNA2 is on the minus strand). VCF-style: chr10-68422259-G-A. GRCh37 (hg19) VCF-style: chr10-70182016-G-A.
Other names: short protein forms P888L.
Identifiers: ClinVar variation 3665343 (VCV003665343.2).